The following is an entry in ClinVar:

NM_014738.6(TMEM94):c.3229C>T (p.Arg1077Trp)

Gene: TMEM94 (transmembrane protein 94; plus strand). Cytogenetic location: 17q25.1.
Variant type: single nucleotide variant.
Coding change: c.3229C>T on transcript NM_014738.6 (MANE Select); coding-DNA position 3229, C replaced by T.
Protein change: p.Arg1077Trp; replaces arginine 1077 with tryptophan.
Molecular consequence: missense variant.
Genome position (GRCh38, 1-based): chr17:75,496,457, C>T. VCF-style: chr17-75496457-C-T. GRCh37 (hg19) VCF-style: chr17-73492538-C-T.
Other names: c.3259C>T, p.Arg1087Trp (NM_001321148.2); c.3241C>T, p.Arg1081Trp (NM_001321149.2); c.3181C>T, p.Arg1061Trp (NM_001351202.2); c.3256C>T, p.Arg1086Trp (NM_001351203.2); short protein forms R1061W, R1077W, R1081W, R1086W, R1087W.
Identifiers: ClinVar variation 3357135 (VCV003357135.1).

ClinVar aggregate classification (germline): Uncertain significance (0 of 4 stars; one submission).

Conditions:
TMEM94-related disorder. Also called: TMEM94-related condition.

gnomAD v4.1: 7 of 1,612,352 alleles (0.00043%); highest among the groups gnomAD compares: South Asian, 0.0011%; no homozygotes.

Submission:

PreventionGenetics, part of Exact Sciences
Classification: Uncertain significance for TMEM94-related condition. Last evaluated: 2024-09-01. Review status: no assertion criteria provided. Collection method: clinical testing. Allele origin: germline.
Comment: The TMEM94 c.3229C>T variant is predicted to result in the amino acid substitution p.Arg1077Trp. To our knowledge, this variant has not been reported in the literature. This variant is reported in 0.00090% of alleles in individuals of European (Non-Finnish) descent in gnomAD. At this time, the clinical significance of this variant is uncertain due to the absence of conclusive functional and genetic evidence.